The following is an entry in ClinVar:

ClinVar aggregate classification (germline): Uncertain significance (1 of 4 stars; one submission).

Submission:

Ambry Genetics
Classification: Uncertain significance. Last evaluated: 2025-03-10. Review status: criteria provided, single submitter. Criteria: Ambry Variant Classification Scheme 2023. Collection method: clinical testing. Allele origin: germline.
Comment: The p.S26F variant (also known as c.77C>T), located in coding exon 1 of the GFI1 gene, results from a C to T substitution at nucleotide position 77. The serine at codon 26 is replaced by phenylalanine, an amino acid with highly dissimilar properties. This amino acid position is conserved. In addition, this alteration is predicted to be tolerated by in silico analysis. Based on the available evidence, the clinical significance of this variant remains unclear.

NM_005263.5(GFI1):c.77C>T (p.Ser26Phe)

Gene: GFI1 (growth factor independent 1 transcriptional repressor; minus strand). Cytogenetic location: 1p22.1.
Variant type: single nucleotide variant.
Coding change: c.77C>T on transcript NM_005263.5 (MANE Select); coding-DNA position 77, C replaced by T.
Protein change: p.Ser26Phe; replaces serine 26 with phenylalanine.
Molecular consequence: missense variant.
Genome position (GRCh38, 1-based): chr1:92,483,411, G>A on the plus strand (C>T on the coding strand, the complement: GFI1 is on the minus strand). VCF-style: chr1-92483411-G-A. GRCh37 (hg19) VCF-style: chr1-92948968-G-A.
Other names: c.77C>T, p.Ser26Phe (NM_001127215.3, NM_001127216.3); short protein forms S26F.
Identifiers: ClinVar variation 3853745 (VCV003853745.1).